The following is an entry in ClinVar:

NM_001127208.3(TET2):c.3133G>T (p.Ala1045Ser)

Genes: TET2 (tet methylcytosine dioxygenase 2; plus strand), TET2-AS1 (TET2 antisense RNA 1; minus strand). Cytogenetic location: 4q24.
Variant type: single nucleotide variant.
Coding change: c.3133G>T on transcript NM_001127208.3 (MANE Select); coding-DNA position 3133, G replaced by T.
Protein change: p.Ala1045Ser; replaces alanine 1045 with serine.
Molecular consequence: missense variant.
Genome position (GRCh38, 1-based): chr4:105,237,075, G>T. VCF-style: chr4-105237075-G-T. GRCh37 (hg19) VCF-style: chr4-106158232-G-T.
Other names: c.3133G>T, p.Ala1045Ser (NM_017628.4); short protein forms A1045S.
Identifiers: ClinVar variation 3805977 (VCV003805977.2).

ClinVar aggregate classification (germline): Uncertain significance. Review status: criteria provided, multiple submitters, no conflicts (2 of 4 stars). 2 submissions from 2 submitters: Uncertain significance (2). Last evaluated 2025-01-18.

Conditions:
TET2-related disorder. Also called: TET2-related condition.

gnomAD v4.1: 18 of 1,614,126 alleles (0.0011%); highest among the groups gnomAD compares: Admixed American, 0.0017%; no homozygotes.

Submissions (2):

Ambry Genetics
Classification: Uncertain significance. Last evaluated: 2025-01-18. Review status: criteria provided, single submitter. Criteria: Ambry Variant Classification Scheme 2023. Collection method: clinical testing. Allele origin: germline.
Comment: The p.A1045S variant (also known as c.3133G>T), located in coding exon 1 of the TET2 gene, results from a G to T substitution at nucleotide position 3133. The alanine at codon 1045 is replaced by serine, an amino acid with similar properties. This amino acid position is conserved. In addition, this alteration is predicted to be tolerated by in silico analysis. Based on the available evidence, the clinical significance of this variant remains unclear.

PreventionGenetics, part of Exact Sciences
Classification: Uncertain significance for TET2-related condition. Last evaluated: 2024-12-18. Review status: criteria provided, single submitter. Criteria: ACMG Guidelines, 2015. Collection method: clinical testing. Allele origin: germline.
Comment: The TET2 c.3133G>T variant is predicted to result in the amino acid substitution p.Ala1045Ser. To our knowledge, this variant has not been reported in the literature. This variant is reported in 0.0029% of alleles in individuals of Latino descent in gnomAD. At this time, the clinical significance of this variant is uncertain due to the absence of conclusive functional and genetic evidence.